The following is an entry in ClinVar:

NM_001111067.4(ACVR1):c.1255G>C (p.Val419Leu)

Gene: ACVR1 (activin A receptor type 1; minus strand). Cytogenetic location: 2q24.1.
Variant type: single nucleotide variant.
Coding change: c.1255G>C on transcript NM_001111067.4 (MANE Select); coding-DNA position 1255, G replaced by C.
Protein change: p.Val419Leu; replaces valine 419 with leucine.
Molecular consequence: missense variant.
Genome position (GRCh38, 1-based): chr2:157,760,889, C>G on the plus strand (G>C on the coding strand, the complement: ACVR1 is on the minus strand). VCF-style: chr2-157760889-C-G. GRCh37 (hg19) VCF-style: chr2-158617401-C-G.
Other names: c.1255G>C, p.Val419Leu (NM_001105.5, NM_001347663.1, NM_001347664.1 and 3 more transcripts); short protein forms V419L.
Identifiers: ClinVar variation 2511334 (VCV002511334.5), dbSNP rs1035254243, ClinGen allele CA59279113.

ClinVar aggregate classification (germline): Uncertain significance. Review status: criteria provided, multiple submitters, no conflicts (2 of 4 stars). 2 submissions from 2 submitters: Uncertain significance (2). Last evaluated 2024-11-16.

Conditions:
Inborn genetic diseases. Identifiers: MedGen C0950123, MeSH D030342.

Allele frequency attached by ClinVar (database versions not stated): gnomAD exomes 0.00001; gnomAD 0.00003; TOPMed 0.00005.
gnomAD v4.1: 11 of 1,614,116 alleles (0.00068%); highest among the groups gnomAD compares: East Asian, 0.025%; no homozygotes.

Submissions (2):

Labcorp Genetics (formerly Invitae), Labcorp
Classification: Uncertain significance. Last evaluated: 2024-11-16. Review status: criteria provided, single submitter. Criteria: Invitae Variant Classification Sherloc (09022015). Collection method: clinical testing. Allele origin: germline.
Comment: This sequence change replaces valine, which is neutral and non-polar, with leucine, which is neutral and non-polar, at codon 419 of the ACVR1 protein (p.Val419Leu). This variant is present in population databases (no rsID available, gnomAD 0.02%). This variant has not been reported in the literature in individuals affected with ACVR1-related conditions. ClinVar contains an entry for this variant (Variation ID: 2511334). An algorithm developed to predict the effect of missense changes on protein structure and function (PolyPhen-2) suggests that this variant is likely to be tolerated. In summary, the available evidence is currently insufficient to determine the role of this variant in disease. Therefore, it has been classified as a Variant of Uncertain Significance.

Ambry Genetics
Classification: Uncertain significance for Inborn genetic diseases. Last evaluated: 2023-06-02. Review status: criteria provided, single submitter. Criteria: Ambry Variant Classification Scheme 2023. Collection method: clinical testing. Allele origin: germline.